The following is an entry in ClinVar:

ClinVar aggregate classification (germline): Pathogenic/Likely pathogenic. Review status: criteria provided, multiple submitters, no conflicts (2 of 4 stars). 3 submissions from 3 submitters: Pathogenic (1); Likely pathogenic (2). Last evaluated 2026-03-05.

Conditions:
PRPF31-related disorder. Also called: PRPF31-related condition.

Submissions (3):

PreventionGenetics, part of Exact Sciences
Classification: Likely pathogenic for PRPF31-related condition. Last evaluated: 2026-03-05. Review status: criteria provided, single submitter. Criteria: ACMG Guidelines, 2015. Collection method: clinical testing. Allele origin: germline.
Comment: The PRPF31 c.421-1G>T variant is predicted to disrupt the AG splice acceptor site and interfere with normal splicing. To our knowledge, this variant has not been reported in the literature. An alternate change impacting the same splice acceptor site (c.421-1G>A) has been reported in individuals with inherited retinal disease (Xia et al. 2004. PubMed ID: 15162096; Comander et al. 2017. PubMed ID: 28981474; Table S2, Gao et al. 2019. PubMed ID: 31054281) and shown to impact splicing, resulting in a premature stop (Xia et al. 2004. PubMed ID: 15162096). The c.421-1G>T variant has not been reported in a large population database (gnomAD), indicating this variant is rare. This variant is interpreted as likely pathogenic.

Labcorp Genetics (formerly Invitae), Labcorp
Classification: Pathogenic. Last evaluated: 2022-09-13. Review status: criteria provided, single submitter. Criteria: Invitae Variant Classification Sherloc (09022015). Collection method: clinical testing. Allele origin: germline.
Comment: This sequence change affects an acceptor splice site in intron 5 of the PRPF31 gene. It is expected to disrupt RNA splicing. Variants that disrupt the donor or acceptor splice site typically lead to a loss of protein function (PMID: 16199547), and loss-of-function variants in PRPF31 are known to be pathogenic (PMID: 18317597, 23950152). This variant is not present in population databases (gnomAD no frequency). Disruption of this splice site has been observed in individuals with retinitis pigmentosa (PMID: 15162096, 28981474). ClinVar contains an entry for this variant (Variation ID: 1453566). Algorithms developed to predict the effect of sequence changes on RNA splicing suggest that this variant may disrupt the consensus splice site. For these reasons, this variant has been classified as Pathogenic.

Blueprint Genetics
Classification: Likely pathogenic for PRPF31-related disorders. Last evaluated: 2021-11-23. Review status: criteria provided, single submitter. Criteria: ACMG Guidelines, 2015. Collection method: clinical testing. Allele origin: germline. Affected: yes. Observed: 1 variant allele.

Literature cited by the submitters: PubMed 16199547 (cited by Labcorp Genetics (formerly Invitae), Labcorp); PubMed 18317597 (cited by Labcorp Genetics (formerly Invitae), Labcorp); PubMed 23950152 (cited by Labcorp Genetics (formerly Invitae), Labcorp); PubMed 15162096 (cited by Labcorp Genetics (formerly Invitae), Labcorp); PubMed 28981474 (cited by Labcorp Genetics (formerly Invitae), Labcorp).

NM_015629.4(PRPF31):c.421-1G>T

Gene: PRPF31 (pre-mRNA processing factor 31; plus strand). Cytogenetic location: 19q13.42.
Variant type: single nucleotide variant.
Coding change: c.421-1G>T on transcript NM_015629.4 (MANE Select); the canonical splice acceptor site of the intron before coding-DNA position 421, G replaced by T.
Molecular consequence: splice acceptor variant.
Genome position (GRCh38, 1-based): chr19:54,123,453, G>T. VCF-style: chr19-54123453-G-T. GRCh37 (hg19) VCF-style: chr19-54626832-G-T.
Other names: c.421-1G>T (NM_015629.3).
Identifiers: ClinVar variation 1453566 (VCV001453566.8), dbSNP rs2146418544, ClinGen allele CA407750167.